The following is an entry in ClinVar:

NM_021628.3(ALOXE3):c.785-14C>T

Gene: ALOXE3 (arachidonate epidermal lipoxygenase 3; minus strand). Cytogenetic location: 17p13.1.
Variant type: single nucleotide variant.
Coding change: c.785-14C>T on transcript NM_021628.3 (MANE Select); 14 bases into the intron before coding-DNA position 785, C replaced by T.
Molecular consequence: intron variant.
Genome position (GRCh38, 1-based): chr17:8,111,545, G>A on the plus strand (C>T on the coding strand, the complement: ALOXE3 is on the minus strand). VCF-style: chr17-8111545-G-A. GRCh37 (hg19) VCF-style: chr17-8014863-G-A.
Other names: c.1181-14C>T (NM_001165960.1); c.782-14C>T (NM_001369446.1).
Identifiers: ClinVar variation 261425 (VCV000261425.17), dbSNP rs113539426, ClinGen allele CA8368285.

ClinVar aggregate classification (germline): Benign. Review status: criteria provided, multiple submitters, no conflicts (2 of 4 stars). 5 submissions from 5 submitters: Benign (5). Last evaluated 2026-02-04.

Conditions:
Autosomal recessive congenital ichthyosis 3 (ARCI3). Also called: ICHTHYOSIS, LAMELLAR, 5. Identifiers: MedGen C3539888, MONDO:0011680, OMIM 606545.

Allele frequency attached by ClinVar (database versions not stated): 1000 Genomes Project 30x 0.01483; 1000 Genomes Project 0.01498; gnomAD 0.02235 and 0.02299; TOPMed 0.02267; ESP Exome Variant Server 0.02276; ExAC 0.02337; gnomAD exomes 0.02384.

Submissions (5):

Labcorp Genetics (formerly Invitae), Labcorp
Classification: Benign. Last evaluated: 2026-02-04. Review status: criteria provided, single submitter. Criteria: Invitae Variant Classification Sherloc (09022015). Collection method: clinical testing. Allele origin: germline.

Genome-Nilou Lab
Classification: Benign for Autosomal recessive congenital ichthyosis 3. Last evaluated: 2021-07-14. Review status: criteria provided, single submitter. Criteria: ACMG Guidelines, 2015. Collection method: clinical testing. Allele origin: germline. Affected: no.

Illumina Laboratory Services, Illumina
Classification: Benign for Autosomal recessive congenital ichthyosis 3. Last evaluated: 2018-01-13. Review status: criteria provided, single submitter. Criteria: ICSL Variant Classification Criteria 13 December 2019. Collection method: clinical testing. Allele origin: germline.
Comment: This variant was observed in the ICSL laboratory as part of a predisposition screen in an ostensibly healthy population. It had not been previously curated by ICSL or reported in the Human Gene Mutation Database (HGMD: prior to June 1st, 2018), and was therefore a candidate for classification through an automated scoring system. Utilizing variant allele frequency, disease prevalence and penetrance estimates, and inheritance mode, an automated score was calculated to assess if this variant is too frequent to cause the disease. Based on the score and internal cut-off values, a variant classified as benign is not then subjected to further curation. The score for this variant resulted in a classification of benign for this disease.

Breakthrough Genomics
Classification: Benign. Review status: criteria provided, single submitter. Criteria: ACMG Guidelines, 2015. Collection method: not provided. Allele origin: germline. Inheritance: Autosomal recessive inheritance. Affected: yes.

PreventionGenetics, part of Exact Sciences
Classification: Benign. Review status: criteria provided, single submitter. Criteria: ACMG Guidelines, 2015. Collection method: clinical testing. Allele origin: germline.